The following is an entry in ClinVar:

NM_001287491.2(TET3):c.439C>A (p.Arg147=)

Gene: TET3 (tet methylcytosine dioxygenase 3; plus strand). Cytogenetic location: 2p13.1.
Variant type: single nucleotide variant.
Coding change: c.439C>A on transcript NM_001287491.2 (MANE Select); coding-DNA position 439, C replaced by A.
Protein change: p.Arg147=; no amino-acid change (arginine 147 retained).
Molecular consequence: synonymous variant.
Genome position (GRCh38, 1-based): chr2:74,046,356, C>A. VCF-style: chr2-74046356-C-A. GRCh37 (hg19) VCF-style: chr2-74273483-C-A.
Other names: c.160C>A, p.Arg54= (NM_001366022.1); c.34C>A, p.Arg12= (NM_144993.1).
Identifiers: ClinVar variation 2651034 (VCV002651034.24), dbSNP rs182958671, ClinGen allele CA1718418.

ClinVar aggregate classification (germline): Likely benign (1 of 4 stars; one submission).

Allele frequency attached by ClinVar (database versions not stated): ExAC 0.00012; 1000 Genomes Project 0.00040; 1000 Genomes Project 30x 0.00047.

Submission:

CeGaT Center for Human Genetics Tuebingen
Classification: Likely benign. Last evaluated: 2023-04-01. Review status: criteria provided, single submitter. Criteria: CeGaT Center For Human Genetics Tuebingen Variant Classification Criteria Version 2. Collection method: clinical testing. Allele origin: germline. Affected: yes. Observed: 1 variant allele.
Comment: TET3: BP4, BP7